The following is an entry in ClinVar:

NM_206933.4(USH2A):c.1672del (p.Asp558fs)

Gene: USH2A (usherin; minus strand). Cytogenetic location: 1q41.
Variant type: Deletion.
Coding change: c.1672del on transcript NM_206933.4 (MANE Select); coding-DNA position 1672, one base deleted (G; older notation c.1672delG).
Protein change: p.Asp558fs; shifts the reading frame from aspartic acid 558.
Molecular consequence: frameshift variant.
Genome position (GRCh38, 1-based): chr1:216,292,343, C deleted on the plus strand (G on the coding strand, the reverse complement: USH2A is on the minus strand). VCF-style (leftmost placement, unchanged base first): chr1-216292342-TC-T. GRCh37 (hg19) VCF-style: chr1-216465684-TC-T.
Other names: c.1672del, p.Asp558fs (NM_007123.6); short protein forms D558fs.
Identifiers: ClinVar variation 866974 (VCV000866974.3), dbSNP rs2037018431, ClinGen allele CA916082146.

ClinVar aggregate classification (germline): Pathogenic/Likely pathogenic. Review status: criteria provided, multiple submitters, no conflicts (2 of 4 stars). 2 submissions from 2 submitters: Pathogenic (1); Likely pathogenic (1). Last evaluated 2025-05-24.

Conditions:
USH2A-related disorder. Also called: USH2A-related condition; USH2A-related disorders. Identifiers: MedGen CN239332.

Submissions (2):

Myriad Genetics, Inc.
Classification: Pathogenic for USH2A-related disorder. Last evaluated: 2025-05-24. Review status: criteria provided, single submitter. Criteria: Myriad Autosomal Dominant, Autosomal Recessive and X-Linked Classification Criteria (2023). Collection method: clinical testing. Allele origin: unknown.
Comment: NM_206933.2(USH2A):c.1672delG(D558Tfs*33) is expected to be pathogenic in the context of USH2A-related disorders. This variant is predicted to lead to an abnormal or absent protein product due to the creation of a premature termination codon in USH2A, a gene where loss-of-function variants are known to be pathogenic. Please note: this variant was assessed in the context of healthy population screening.

Blueprint Genetics
Classification: Likely pathogenic for USH2A-related disorders. Last evaluated: 2018-07-19. Review status: criteria provided, single submitter. Criteria: ACMG Guidelines, 2015. Collection method: clinical testing. Allele origin: germline. Affected: yes. Observed: 1 variant allele.